The following is an entry in ClinVar:

NC_000015.9:g.(?_89859982)_(89876985_?)dup

Genes: FANCI (FA complementation group I; plus strand), POLG (DNA polymerase gamma, catalytic subunit; minus strand). Cytogenetic location: 15q26.1.
Variant type: Duplication.
Identifiers: ClinVar variation 2424523 (VCV002424523.4).

ClinVar aggregate classification (germline): Uncertain significance (1 of 4 stars; one submission).

Conditions:
Progressive sclerosing poliodystrophy (MTDPS4A). Also called: Mitochondrial DNA Depletion Syndrome 4A; Alpers-Huttenlocher Syndrome (AHS); ALPERS PROGRESSIVE INFANTILE POLIODYSTROPHY; NEURONAL DEGENERATION OF CHILDHOOD WITH LIVER DISEASE, PROGRESSIVE; Mitochondrial DNA depletion syndrome 4A (Alpers type); Alpers Syndrome. Identifiers: Orphanet 726, MedGen C0205710, MONDO:0008758, OMIM 203700.

Submission:

Labcorp Genetics (formerly Invitae), Labcorp
Classification: Uncertain significance for Progressive sclerosing poliodystrophy. Last evaluated: 2022-09-16. Review status: criteria provided, single submitter. Criteria: Invitae Variant Classification Sherloc (09022015). Collection method: clinical testing. Allele origin: germline.
Comment: A copy number gain of the genomic region encompassing the full coding sequence of the POLG gene has been identified. The boundaries of this event are unknown as they extend beyond the assayed region for this gene and therefore may encompass additional genes. As the precise location of this event is unknown, it may be in tandem or it may be located elsewhere in the genome. This variant has not been reported in the literature in individuals affected with POLG-related conditions. In summary, the available evidence is currently insufficient to determine the role of this variant in disease. Therefore, it has been classified as a Variant of Uncertain Significance.